The following is an entry in ClinVar:

NM_000361.3(THBD):c.-151G>T

Gene: THBD (thrombomodulin; minus strand). Cytogenetic location: 20p11.21.
Variant type: single nucleotide variant.
Coding change: c.-151G>T on transcript NM_000361.3 (MANE Select); 151 bases upstream of the start codon, G replaced by T.
Molecular consequence: 5 prime UTR variant.
Genome position (GRCh38, 1-based): chr20:23,049,655, C>A on the plus strand (G>T on the coding strand, the complement: THBD is on the minus strand). VCF-style: chr20-23049655-C-A. GRCh37 (hg19) VCF-style: chr20-23030292-C-A.
Other names: -151G-T (rs16984852).
Identifiers: ClinVar variation 139519 (VCV000139519.16), dbSNP rs16984852, ClinGen allele CA163226.

ClinVar aggregate classification (germline): Benign/Likely benign. Review status: criteria provided, multiple submitters, no conflicts (2 of 4 stars). 7 submissions from 7 submitters: Benign (3); Likely benign (2). 2 of the submissions do not count toward it. Last evaluated 2026-01-07.

Conditions:
THBD-related disorder. Also called: THBD-related condition.
Atypical hemolytic-uremic syndrome with thrombomodulin anomaly. Also called: HEMOLYTIC UREMIC SYNDROME, ATYPICAL, SUSCEPTIBILITY TO, 6; AHUS, SUSCEPTIBILITY TO, 6. Identifiers: MedGen C2752036, MONDO:0013044, OMIM 612926. Disease mechanism: gain of function.
Thrombomodulin-related bleeding disorder (THPH12). Also called: Thrombophilia due to thrombomodulin defect. Identifiers: Orphanet 436169, MedGen C3280976, MONDO:0013775, OMIM 614486.

Allele frequency attached by ClinVar (database versions not stated): gnomAD 0.00025 and 0.00018; TOPMed 0.00036; gnomAD exomes 0.00039; ExAC 0.00042; 1000 Genomes Project 0.00140; 1000 Genomes Project 30x 0.00141.
gnomAD v4.1: 172 of 1,067,840 alleles (0.016%); highest among the groups gnomAD compares: East Asian, 0.4%; 2 homozygotes.

Submissions (7):

Labcorp Genetics (formerly Invitae), Labcorp
Classification: Likely benign. Last evaluated: 2026-01-07. Review status: criteria provided, single submitter. Criteria: Invitae Variant Classification Sherloc (09022015). Collection method: clinical testing. Allele origin: germline.

Genomenon, Inc
Classification: Benign for Thrombomodulin-related bleeding disorder. Last evaluated: 2025-09-22. Review status: criteria provided, single submitter. Criteria: Genomenon Sequence Variant Interpretation Standards - Updated. Collection method: curation. Allele origin: germline. Affected: no.
Comment: THBD c.-151G>T is a variant located in the 5' untranslated region (5′ UTR). This variant is present at high allele frequency in population databases. In conclusion, we classify THBD c.-151G>T as a benign variant.

Mendelics
Classification: Benign. Last evaluated: 2022-05-04. Review status: criteria provided, single submitter. Criteria: Mendelics Assertion Criteria 2019. Collection method: clinical testing. Allele origin: germline.

Blueprint Genetics
Classification: Likely benign. Last evaluated: 2022-03-21. Review status: criteria provided, single submitter. Criteria: ACMG Guidelines, 2015. Collection method: clinical testing. Allele origin: germline.

Illumina Laboratory Services, Illumina
Classification: Benign for Atypical hemolytic-uremic syndrome with thrombomodulin anomaly. Last evaluated: 2017-04-28. Review status: criteria provided, single submitter. Criteria: ICSL Variant Classification Criteria 13 December 2019. Collection method: clinical testing. Allele origin: germline.
Comment: This variant was observed as part of a predisposition screen in an ostensibly healthy population. A literature search was performed for the gene, cDNA change, and amino acid change (where applicable). No publications were found based on this search. Allele frequency data from public databases was too high to be consistent with this variant causing disease. Therefore, this variant is classified as benign.

PreventionGenetics, part of Exact Sciences
Classification: Benign for THBD-related condition. Last evaluated: 2024-05-02. Review status: no assertion criteria provided. Collection method: clinical testing. Allele origin: germline. Not counted in ClinVar's aggregate classification.
Comment: This variant is classified as benign based on ACMG/AMP sequence variant interpretation guidelines (Richards et al. 2015 PMID: 25741868, with internal and published modifications).

OMIM
Classification: Pathogenic for THROMBOPHILIA DUE TO THROMBOMODULIN DEFECT. Last evaluated: 2013-02-07. Review status: no assertion criteria provided. Collection method: literature only. Allele origin: germline. Not counted in ClinVar's aggregate classification.

Literature cited by the submitters: PubMed 23332921 (cited by OMIM).